The following is an entry in ClinVar:

ClinVar aggregate classification (germline): Pathogenic. Review status: criteria provided, multiple submitters, no conflicts (2 of 4 stars). 2 submissions from 2 submitters: Pathogenic (2). Last evaluated 2024-07-31.

Conditions:
Hereditary breast ovarian cancer syndrome. Also called: Hereditary breast and/or ovarian cancer syndrome; Hereditary breast and ovarian cancer syndrome (HBOC); Breast and ovarian cancer; Hereditary breast and ovarian cancer syndrome; Hereditary breast and ovarian cancer; BRCA1- and BRCA2-Associated Hereditary Breast and Ovarian Cancer. Identifiers: Orphanet 145, MedGen C0677776, MeSH D061325, MONDO:0003582. Disease mechanism: loss of function.
Hereditary cancer-predisposing syndrome. Also called: Hereditary neoplastic syndrome; Neoplastic Syndromes, Hereditary; Hereditary Cancer Syndrome; Tumor predisposition. Identifiers: Orphanet 140162, MedGen C0027672, MeSH D009386, MONDO:0015356.

Submissions (2):

Ambry Genetics
Classification: Pathogenic for Hereditary cancer-predisposing syndrome. Last evaluated: 2024-07-31. Review status: criteria provided, single submitter. Criteria: Ambry Variant Classification Scheme 2023. Collection method: clinical testing. Allele origin: germline.
Comment: The c.7295_7298delGACA pathogenic mutation, located in coding exon 13 of the BRCA2 gene, results from a deletion of 4 nucleotides at nucleotide positions 7295 to 7298, causing a translational frameshift with a predicted alternate stop codon (p.R2432Kfs*36). This variant is considered to be rare based on population cohorts in the Genome Aggregation Database (gnomAD). This alteration is expected to result in loss of function by premature protein truncation or nonsense-mediated mRNA decay. As such, this alteration is interpreted as a disease-causing mutation.

Labcorp Genetics (formerly Invitae), Labcorp
Classification: Pathogenic for Hereditary breast ovarian cancer syndrome. Last evaluated: 2024-01-19. Review status: criteria provided, single submitter. Criteria: Invitae Variant Classification Sherloc (09022015). Collection method: clinical testing. Allele origin: germline.
Comment: This sequence change creates a premature translational stop signal (p.Arg2432Lysfs*36) in the BRCA2 gene. It is expected to result in an absent or disrupted protein product. Loss-of-function variants in BRCA2 are known to be pathogenic (PMID: 20104584). This variant is not present in population databases (gnomAD no frequency). This variant has not been reported in the literature in individuals affected with BRCA2-related conditions. Algorithms developed to predict the effect of sequence changes on RNA splicing suggest that this variant may disrupt the consensus splice site. For these reasons, this variant has been classified as Pathogenic.

Literature cited by the submitters: PubMed 20104584 (cited by Labcorp Genetics (formerly Invitae), Labcorp).

NM_000059.4(BRCA2):c.7295_7298del (p.Arg2432fs)

Gene: BRCA2 (BRCA2 DNA repair associated; plus strand). Cytogenetic location: 13q13.1.
Variant type: Deletion.
Coding change: c.7295_7298del on transcript NM_000059.4 (MANE Select); coding-DNA positions 7295 to 7298, 4 bases deleted (GACA; older notation c.7295_7298delGACA).
Protein change: p.Arg2432fs; shifts the reading frame from arginine 2432.
Molecular consequence: frameshift variant. On other transcripts: non-coding transcript variant (1).
Genome position (GRCh38, 1-based): chr13:32,355,148-32,355,151, GACA deleted; deleting any 4 consecutive bases within chr13:32,355,145-32,355,151 gives the same sequence; the c. name uses the placement nearest the transcript's 3' end. VCF-style (leftmost placement, unchanged base first): chr13-32355144-AACAG-A. GRCh37 (hg19) VCF-style: chr13-32929281-AACAG-A.
Other names: c.7199_7202del, p.Arg2400fs (NM_001406719.1); c.7295_7298del, p.Arg2432fs (NM_001406720.1); c.2363_2366del, p.Arg788fs (NM_001406721.1); c.878_881del, p.Arg293fs (NM_001406722.1); short protein forms R2400fs, R293fs, R788fs, R2432fs.
Identifiers: ClinVar variation 2702382 (VCV002702382.4), dbSNP rs2548540459, ClinGen allele CA2697551761.